The following is an entry in ClinVar:

ClinVar aggregate classification (germline): Uncertain significance (1 of 4 stars; one submission).

Submission:

GeneDx
Classification: Uncertain significance. Last evaluated: 2026-04-26. Review status: criteria provided, single submitter. Criteria: GeneDx Variant Classification Process June 2021. Collection method: clinical testing. Allele origin: germline.
Comment: Not observed at significant frequency in large population cohorts (gnomAD); In silico analysis supports that this missense variant has a deleterious effect on protein structure/function; Has not been previously published as pathogenic or benign to our knowledge; In silico analysis is inconclusive as to whether the variant alters gene splicing. In the absence of RNA/functional studies, the actual effect of this sequence change is unknown.

NM_014727.3(KMT2B):c.3774A>T (p.Lys1258Asn)

Gene: KMT2B (lysine methyltransferase 2B; plus strand). Cytogenetic location: 19q13.12.
Variant type: single nucleotide variant.
Coding change: c.3774A>T on transcript NM_014727.3 (MANE Select); coding-DNA position 3774, A replaced by T.
Protein change: p.Lys1258Asn; replaces lysine 1258 with asparagine.
Molecular consequence: missense variant.
Genome position (GRCh38, 1-based): chr19:35,725,610, A>T. VCF-style: chr19-35725610-A-T. GRCh37 (hg19) VCF-style: chr19-36216511-A-T.
Other names: short protein forms K1258N.
Identifiers: ClinVar variation 5037647 (VCV005037647.1).